The following is an entry in ClinVar:

ClinVar aggregate classification (germline): Uncertain significance (1 of 4 stars; one submission).

Submission:

Labcorp Genetics (formerly Invitae), Labcorp
Classification: Uncertain significance. Last evaluated: 2022-06-30. Review status: criteria provided, single submitter. Criteria: Invitae Variant Classification Sherloc (09022015). Collection method: clinical testing. Allele origin: germline.
Comment: This variant has not been reported in the literature in individuals affected with CDHR1-related conditions. This variant is not present in population databases (gnomAD no frequency). This sequence change falls in intron 4 of the CDHR1 gene. It does not directly change the encoded amino acid sequence of the CDHR1 protein. It affects a nucleotide within the consensus splice site. Variants that disrupt the consensus splice site are a relatively common cause of aberrant splicing (PMID: 17576681, 9536098). Algorithms developed to predict the effect of sequence changes on RNA splicing suggest that this variant is not likely to affect RNA splicing. In summary, the available evidence is currently insufficient to determine the role of this variant in disease. Therefore, it has been classified as a Variant of Uncertain Significance.

Literature cited by the submitters: PubMed 17576681; PubMed 9536098.

NM_033100.4(CDHR1):c.348+3G>A

Gene: CDHR1 (cadherin related family member 1; plus strand). Cytogenetic location: 10q23.1.
Variant type: single nucleotide variant.
Coding change: c.348+3G>A on transcript NM_033100.4 (MANE Select); 3 bases into the intron after coding-DNA position 348, G replaced by A.
Molecular consequence: intron variant.
Genome position (GRCh38, 1-based): chr10:84,197,839, G>A. VCF-style: chr10-84197839-G-A. GRCh37 (hg19) VCF-style: chr10-85957595-G-A.
Other names: c.348+3G>A (NM_001171971.3).
Identifiers: ClinVar variation 1997039 (VCV001997039.4), dbSNP rs2492471651, ClinGen allele CA2580082056.